The following is an entry in ClinVar:

ClinVar aggregate classification (germline): Uncertain significance. Review status: criteria provided, multiple submitters, no conflicts (2 of 4 stars). 2 submissions from 2 submitters: Uncertain significance (2). Last evaluated 2022-10-14.

Conditions:
Inborn genetic diseases. Identifiers: MedGen C0950123, MeSH D030342.
Spastic paraplegia. Identifiers: MedGen C0037772, HP:0001258.

Submissions (2):

Labcorp Genetics (formerly Invitae), Labcorp
Classification: Uncertain significance for Spastic paraplegia. Last evaluated: 2022-10-14. Review status: criteria provided, single submitter. Criteria: Invitae Variant Classification Sherloc (09022015). Collection method: clinical testing. Allele origin: germline.
Comment: This sequence change replaces aspartic acid, which is acidic and polar, with glycine, which is neutral and non-polar, at codon 300 of the ERLIN2 protein (p.Asp300Gly). In summary, the available evidence is currently insufficient to determine the role of this variant in disease. Therefore, it has been classified as a Variant of Uncertain Significance. This variant disrupts the p.Asp300 amino acid residue in ERLIN2. Other variant(s) that disrupt this residue have been determined to be pathogenic (PMID: 28832565; Invitae). This suggests that this residue is clinically significant, and that variants that disrupt this residue are likely to be disease-causing. Advanced modeling of protein sequence and biophysical properties (such as structural, functional, and spatial information, amino acid conservation, physicochemical variation, residue mobility, and thermodynamic stability) performed at Invitae indicates that this missense variant is not expected to disrupt ERLIN2 protein function. This variant has not been reported in the literature in individuals affected with ERLIN2-related conditions. This variant is not present in population databases (gnomAD no frequency).

Ambry Genetics
Classification: Uncertain significance for Inborn genetic diseases. Last evaluated: 2022-04-14. Review status: criteria provided, single submitter. Criteria: Ambry Variant Classification Scheme 2023. Collection method: clinical testing. Allele origin: germline.

Literature cited by the submitters: PubMed 28832565 (cited by Labcorp Genetics (formerly Invitae), Labcorp).

NM_007175.8(ERLIN2):c.899A>G (p.Asp300Gly)

Gene: ERLIN2 (ER lipid raft associated 2; plus strand). Cytogenetic location: 8p11.23.
Variant type: single nucleotide variant.
Coding change: c.899A>G on transcript NM_007175.8 (MANE Select); coding-DNA position 899, A replaced by G.
Protein change: p.Asp300Gly; replaces aspartic acid 300 with glycine.
Molecular consequence: missense variant.
Genome position (GRCh38, 1-based): chr8:37,753,994, A>G. VCF-style: chr8-37753994-A-G. GRCh37 (hg19) VCF-style: chr8-37611512-A-G.
Other names: c.899A>G, p.Asp300Gly (NM_001362878.2); c.899A>G (NM_007175.6); short protein forms D300G.
Identifiers: ClinVar variation 2165439 (VCV002165439.5), dbSNP rs763958615, ClinGen allele CA370662634.